The following is an entry in ClinVar:

ClinVar aggregate classification (germline): Uncertain significance (1 of 4 stars; one submission).

Allele frequency attached by ClinVar (database versions not stated): gnomAD exomes below 0.00001.
gnomAD v4.1: 2 of 1,211,441 alleles (0.00017%); highest among the groups gnomAD compares: South Asian, 0.0018%; no homozygotes.

Submission:

GeneDx
Classification: Uncertain significance. Last evaluated: 2024-09-06. Review status: criteria provided, single submitter. Criteria: GeneDx Variant Classification Process June 2021. Collection method: clinical testing. Allele origin: germline.
Comment: Not observed at significant frequency in large population cohorts (gnomAD); In silico analysis indicates that this missense variant does not alter protein structure/function; Has not been previously published as pathogenic or benign to our knowledge

NM_004187.5(KDM5C):c.3634C>T (p.Arg1212Trp)

Gene: KDM5C (lysine demethylase 5C; minus strand). Cytogenetic location: Xp11.22.
Variant type: single nucleotide variant.
Coding change: c.3634C>T on transcript NM_004187.5 (MANE Select); coding-DNA position 3634, C replaced by T.
Protein change: p.Arg1212Trp; replaces arginine 1212 with tryptophan.
Molecular consequence: missense variant. On other transcripts: non-coding transcript variant (3).
Genome position (GRCh38, 1-based): chrX:53,194,543, G>A on the plus strand (C>T on the coding strand, the complement: KDM5C is on the minus strand). VCF-style: chrX-53194543-G-A. GRCh37 (hg19) VCF-style: chrX-53223725-G-A.
Other names: c.3433C>T, p.Arg1145Trp (NM_001146702.2); c.3631C>T, p.Arg1211Trp (NM_001282622.3, NM_001353979.2, NM_001353982.2); c.3634C>T, p.Arg1212Trp (NM_001353978.3, NM_001353981.2, NM_001353984.2); short protein forms R1145W, R1211W, R1212W.
Identifiers: ClinVar variation 1712822 (VCV001712822.3), dbSNP rs2146822518, ClinGen allele CA413107855.